The following is an entry in ClinVar:

NM_001375834.1(WIPF1):c.51G>A (p.Leu17=)

Genes: WIPF1-AS1 (WIPF1 and CHRNA1 antisense RNA 1; plus strand), WIPF1 (WAS/WASL interacting protein family member 1; minus strand). Cytogenetic location: 2q31.1.
Variant type: single nucleotide variant.
Coding change: c.51G>A on transcript NM_001375834.1 (MANE Select); coding-DNA position 51, G replaced by A.
Protein change: p.Leu17=; no amino-acid change (leucine 17 retained).
Molecular consequence: synonymous variant.
Genome position (GRCh38, 1-based): chr2:174,585,523, C>T on the plus strand (G>A on the coding strand, the complement: WIPF1 is on the minus strand). VCF-style: chr2-174585523-C-T. GRCh37 (hg19) VCF-style: chr2-175450251-C-T.
Other names: c.51G>A, p.Leu17= (NM_001077269.1, NM_001375832.1, NM_001375833.1 and 6 more transcripts).
Identifiers: ClinVar variation 291203 (VCV000291203.9), dbSNP rs535169609, ClinGen allele CA1974258.

ClinVar aggregate classification (germline): Conflicting classifications of pathogenicity. Review status: criteria provided, conflicting classifications (1 of 4 stars). 3 submissions from 3 submitters: Uncertain significance (2); Likely benign (1). Last evaluated 2024-11-27.

Conditions:
Wiskott-Aldrich syndrome 2 (WAS2). Also called: WIPF1 DEFICIENCY. Identifiers: Orphanet 906, MedGen C3281001, MONDO:0013779, OMIM 614493.
WIPF1-related disorder. Also called: WIPF1-related condition.

Allele frequency attached by ClinVar (database versions not stated): ExAC 0.00001; TOPMed 0.00001; gnomAD exomes 0.00003 and 0.00005; gnomAD 0.00005 and 0.00006.
gnomAD v4.1: 74 of 1,591,600 alleles (0.0046%); highest among the groups gnomAD compares: Non-Finnish European, 0.0061%; no homozygotes.

Submissions (3):

PreventionGenetics, part of Exact Sciences
Classification: Likely benign for WIPF1-related condition. Last evaluated: 2024-11-27. Review status: criteria provided, single submitter. Criteria: ACMG Guidelines, 2015. Collection method: clinical testing. Allele origin: germline.
Comment: This variant is classified as likely benign based on ACMG/AMP sequence variant interpretation guidelines (Richards et al. 2015 PMID: 25741868, with internal and published modifications).

Labcorp Genetics (formerly Invitae), Labcorp
Classification: Uncertain significance for Wiskott-Aldrich syndrome 2. Last evaluated: 2022-03-14. Review status: criteria provided, single submitter. Criteria: Invitae Variant Classification Sherloc (09022015). Collection method: clinical testing. Allele origin: germline.
Comment: This sequence change affects codon 17 of the WIPF1 mRNA. It is a 'silent' change, meaning that it does not change the encoded amino acid sequence of the WIPF1 protein. This variant also falls at the last nucleotide of exon 2, which is part of the consensus splice site for this exon. This variant is present in population databases (rs535169609, gnomAD 0.006%). This variant has not been reported in the literature in individuals affected with WIPF1-related conditions. ClinVar contains an entry for this variant (Variation ID: 291203). Variants that disrupt the consensus splice site are a relatively common cause of aberrant splicing (PMID: 17576681, 9536098). Algorithms developed to predict the effect of sequence changes on RNA splicing suggest that this variant is not likely to affect RNA splicing. In summary, the available evidence is currently insufficient to determine the role of this variant in disease. Therefore, it has been classified as a Variant of Uncertain Significance.

Eurofins Ntd Llc (ga)
Classification: Uncertain significance. Last evaluated: 2016-09-14. Review status: criteria provided, single submitter. Criteria: EGL Classification Definitions 2015. Collection method: clinical testing. Allele origin: germline. Observed: 1 variant allele, 1 heterozygote.

Literature cited by the submitters: PubMed 17576681 (cited by Labcorp Genetics (formerly Invitae), Labcorp); PubMed 9536098 (cited by Labcorp Genetics (formerly Invitae), Labcorp).